The following is an entry in ClinVar:

NM_000784.4(CYP27A1):c.594G>A (p.Ser198=)

Gene: CYP27A1 (cytochrome P450 family 27 subfamily A member 1; plus strand). Cytogenetic location: 2q35.
Variant type: single nucleotide variant.
Coding change: c.594G>A on transcript NM_000784.4 (MANE Select); coding-DNA position 594, G replaced by A.
Protein change: p.Ser198=; no amino-acid change (serine 198 retained).
Molecular consequence: synonymous variant.
Genome position (GRCh38, 1-based): chr2:218,812,369, G>A. VCF-style: chr2-218812369-G-A. GRCh37 (hg19) VCF-style: chr2-219677092-G-A.
Identifiers: ClinVar variation 741509 (VCV000741509.16), dbSNP rs1487944910, ClinGen allele CA431414130.

ClinVar aggregate classification (germline): Likely benign. Review status: criteria provided, multiple submitters, no conflicts (2 of 4 stars). 6 submissions from 6 submitters: Likely benign (3). 3 of the submissions do not count toward it. Last evaluated 2025-12-21.

Conditions:
CYP27A1-related disorder. Also called: CYP27A1-related condition.
Cardiovascular phenotype. Identifiers: MedGen CN230736.
Cholestanol storage disease (CTX). Also called: CTX: Cerebrotendinous xanthomatosis; CEREBRAL CHOLESTERINOSIS; Cerebrotendinous Xanthomatosis. Identifiers: Orphanet 909, MedGen C0238052, MONDO:0008948, OMIM 213700.

Allele frequency attached by ClinVar (database versions not stated): gnomAD exomes 0.00001 and 0.00002; TOPMed 0.00001; gnomAD 0.00003.
gnomAD v4.1: 35 of 1,614,014 alleles (0.0022%); highest among the groups gnomAD compares: Middle Eastern, 0.016%; no homozygotes.

Submissions (6):

Labcorp Genetics (formerly Invitae), Labcorp
Classification: Likely benign for Cholestanol storage disease. Last evaluated: 2025-12-21. Review status: criteria provided, single submitter. Criteria: Invitae Variant Classification Sherloc (09022015). Collection method: clinical testing. Allele origin: germline.

Blueprint Genetics
Classification: Likely benign. Last evaluated: 2024-04-18. Review status: criteria provided, single submitter. Criteria: ACMG Guidelines, 2015. Collection method: clinical testing. Allele origin: germline.

Ambry Genetics
Classification: Likely benign for Cardiovascular phenotype. Last evaluated: 2022-02-10. Review status: criteria provided, single submitter. Criteria: Ambry Variant Classification Scheme 2023. Collection method: clinical testing. Allele origin: germline.

PreventionGenetics, part of Exact Sciences
Classification: Likely benign for CYP27A1-related condition. Last evaluated: 2019-09-23. Review status: no assertion criteria provided. Collection method: clinical testing. Allele origin: germline. Not counted in ClinVar's aggregate classification.
Comment: This variant is classified as likely benign based on ACMG/AMP sequence variant interpretation guidelines (Richards et al. 2015 PMID: 25741868, with internal and published modifications).

Clinical Genetics DNA and cytogenetics Diagnostics Lab, Erasmus MC, Erasmus Medical Center
Classification: Likely benign. Review status: no assertion criteria provided. Collection method: clinical testing. Allele origin: germline. Affected: yes. Study: VKGL Data-share Consensus. Not counted in ClinVar's aggregate classification.

Clinical Genetics, Academic Medical Center
Classification: Likely benign. Review status: no assertion criteria provided. Collection method: clinical testing. Allele origin: germline. Affected: yes. Study: VKGL Data-share Consensus. Not counted in ClinVar's aggregate classification.